The following is an entry in ClinVar:

NM_023110.3(FGFR1):c.1648G>C (p.Ala550Pro)

Gene: FGFR1 (fibroblast growth factor receptor 1; minus strand). Cytogenetic location: 8p11.23.
Variant type: single nucleotide variant.
Coding change: c.1648G>C on transcript NM_023110.3 (MANE Select); coding-DNA position 1648, G replaced by C.
Protein change: p.Ala550Pro; replaces alanine 550 with proline.
Molecular consequence: missense variant.
Genome position (GRCh38, 1-based): chr8:38,417,321, C>G on the plus strand (G>C on the coding strand, the complement: FGFR1 is on the minus strand). VCF-style: chr8-38417321-C-G. GRCh37 (hg19) VCF-style: chr8-38274839-C-G.
Other names: c.1642G>C, p.Ala548Pro (NM_001174063.2, NM_001174065.2, NM_001354367.2 and 1 more transcripts); c.1618G>C, p.Ala540Pro (NM_001174064.2); c.1381G>C, p.Ala461Pro (NM_001174066.2, NM_023105.3); c.1741G>C, p.Ala581Pro (NM_001174067.2); c.1369G>C, p.Ala457Pro (NM_001354368.2); c.1636G>C, p.Ala546Pro (NM_001354369.2, NM_001410922.1); c.1375G>C, p.Ala459Pro (NM_001354370.2, NM_023106.3); short protein forms A457P, A459P, A461P, A540P, A546P, A548P, A550P, A581P.
Identifiers: ClinVar variation 3758635 (VCV003758635.2).
Genomic context (GRCh38, chr8:38,417,321, plus strand): 5'-TCTTCTCCCCGCTGGGCAGGGAAAGCCAGTCTGGCCGGCACCCACCATCCTGCGTGCAGG[C>G]CCCCAGCAGGTTGATGATATTCTTATGCTTCCCGATCATCTTCATCATCTCCATTTCTGA-3'
Protein context (NP_075598.2, residues 540-560): KHKNIINLLG[Ala550Pro]CTQDGPLYVI

ClinVar aggregate classification (germline): Uncertain significance (1 of 4 stars; one submission).

Conditions:
Pfeiffer syndrome (ACS5). Also called: ACS V. Identifiers: Orphanet 710, MedGen C0220658, MONDO:0007043, OMIM 101600.
Hypogonadotropic hypogonadism 2 with or without anosmia (HH2). Also called: FGFR1-Related GnRH Deficiency (Kallmann Syndrome 2); HYPOGONADOTROPIC HYPOGONADISM 2 WITHOUT ANOSMIA; HYPOGONADOTROPIC HYPOGONADISM 2 WITH OR WITHOUT ANOSMIA, SUSCEPTIBILITY TO; HYPOGONADOTROPIC HYPOGONADISM 2 WITHOUT ANOSMIA, SUSCEPTIBILITY TO. Identifiers: Orphanet 478, MedGen C1563720, MONDO:0007844, OMIM 147950. Disease mechanism: loss of function.

Submission:

Labcorp Genetics (formerly Invitae), Labcorp
Classification: Uncertain significance for Pfeiffer syndrome; Hypogonadotropic hypogonadism 2 with or without anosmia. Last evaluated: 2024-11-22. Review status: criteria provided, single submitter. Criteria: Invitae Variant Classification Sherloc (09022015). Collection method: clinical testing. Allele origin: germline.
Comment: This sequence change replaces alanine, which is neutral and non-polar, with proline, which is neutral and non-polar, at codon 550 of the FGFR1 protein (p.Ala550Pro). This variant is not present in population databases (gnomAD no frequency). This variant has not been reported in the literature in individuals affected with FGFR1-related conditions. Invitae Evidence Modeling of protein sequence and biophysical properties (such as structural, functional, and spatial information, amino acid conservation, physicochemical variation, residue mobility, and thermodynamic stability) indicates that this missense variant is not expected to disrupt FGFR1 protein function with a negative predictive value of 80%. In summary, the available evidence is currently insufficient to determine the role of this variant in disease. Therefore, it has been classified as a Variant of Uncertain Significance.